The following is an entry in ClinVar:

ClinVar aggregate classification (germline): Pathogenic (1 of 4 stars; one submission).

Conditions:
Neurofibromatosis, type 1 (NF1). Also called: VON RECKLINGHAUSEN DISEASE; Peripheral type neurofibromatosis; NEUROFIBROMATOSIS, TYPE I, SOMATIC; Neurofibromatosis, type I. Identifiers: Orphanet 636, MedGen C0027831, MONDO:0018975, OMIM 162200. Disease mechanism: loss of function.

Submission:

Labcorp Genetics (formerly Invitae), Labcorp
Classification: Pathogenic for Neurofibromatosis, type 1. Last evaluated: 2025-02-06. Review status: criteria provided, single submitter. Criteria: Invitae Variant Classification Sherloc (09022015). Collection method: clinical testing. Allele origin: germline.
Comment: This sequence change creates a premature translational stop signal (p.Glu1438Alafs*4) in the NF1 gene. It is expected to result in an absent or disrupted protein product. Loss-of-function variants in NF1 are known to be pathogenic (PMID: 10712197, 23913538). This variant is not present in population databases (gnomAD no frequency). This variant has not been reported in the literature in individuals affected with NF1-related conditions. For these reasons, this variant has been classified as Pathogenic.

Literature cited by the submitters: PubMed 10712197; PubMed 23913538.

NM_001042492.3(NF1):c.4376_4386del (p.Glu1459fs)

Gene: NF1 (neurofibromin 1; plus strand). Cytogenetic location: 17q11.2.
Variant type: Deletion.
Coding change: c.4376_4386del on transcript NM_001042492.3 (MANE Select); coding-DNA positions 4376 to 4386, 11 bases deleted (AACATATGCGG).
Protein change: p.Glu1459fs; shifts the reading frame from glutamic acid 1459.
Molecular consequence: frameshift variant.
Genome position (GRCh38, 1-based): chr17:31,259,075-31,259,085, AACATATGCGG deleted; deleting any 11 consecutive bases within chr17:31,259,074-31,259,085 gives the same sequence; the c. name uses the placement nearest the transcript's 3' end. VCF-style (leftmost placement, unchanged base first): chr17-31259073-AGAACATATGCG-A. GRCh37 (hg19) VCF-style: chr17-29586091-AGAACATATGCG-A.
Other names: c.4313_4323del, p.Glu1438fs (NM_000267.4); short protein forms E1459fs, E1438fs.
Identifiers: ClinVar variation 4712390 (VCV004712390.1).